The following is an entry in ClinVar:

ClinVar aggregate classification (germline): Uncertain significance (1 of 4 stars; one submission).

Conditions:
H syndrome. Also called: Hyperpigmentation, Cutaneous, with Hypertrichosis, Hepatosplenomegaly, Heart Anomalies, Hearing Loss, and Hypogonadism; Histiocytosis-lymphadenopathy plus syndrome; Histiocytosis with joint contractures and sensorineural deafness; FAISALABAD HISTIOCYTOSIS; HISTIOCYTOSIS AND LYMPHADENOPATHY WITH OR WITHOUT CUTANEOUS, CARDIAC, AND/OR ENDOCRINE FEATURES, JOINT CONTRACTURES, AND/OR DEAFNESS; HYPERPIGMENTATION, CUTANEOUS, WITH HYPERTRICHOSIS, HEPATOSPLENOMEGALY, HEART ANOMALIES, AND HYPOGONADISM WITH OR WITHOUT HEARING LOSS. Identifiers: Orphanet 168569, MedGen C1864445, MONDO:0011273, OMIM 602782.

Submission:

Labcorp Genetics (formerly Invitae), Labcorp
Classification: Uncertain significance for H syndrome. Last evaluated: 2022-05-10. Review status: criteria provided, single submitter. Criteria: Invitae Variant Classification Sherloc (09022015). Collection method: clinical testing. Allele origin: germline.
Comment: In summary, the available evidence is currently insufficient to determine the role of this variant in disease. Therefore, it has been classified as a Variant of Uncertain Significance. Algorithms developed to predict the effect of missense changes on protein structure and function are either unavailable or do not agree on the potential impact of this missense change (SIFT: "Deleterious"; PolyPhen-2: "Probably Damaging"; Align-GVGD: "Class C15"). This variant has not been reported in the literature in individuals affected with SLC29A3-related conditions. This variant is present in population databases (no rsID available, gnomAD no frequency). This sequence change replaces leucine, which is neutral and non-polar, with proline, which is neutral and non-polar, at codon 243 of the SLC29A3 protein (p.Leu243Pro).

NM_018344.6(SLC29A3):c.728T>C (p.Leu243Pro)

Gene: SLC29A3 (solute carrier family 29 member 3; plus strand). Cytogenetic location: 10q22.1.
Variant type: single nucleotide variant.
Coding change: c.728T>C on transcript NM_018344.6 (MANE Select); coding-DNA position 728, T replaced by C.
Protein change: p.Leu243Pro; replaces leucine 243 with proline.
Molecular consequence: missense variant. On other transcripts: non-coding transcript variant (2).
Genome position (GRCh38, 1-based): chr10:71,356,198, T>C. VCF-style: chr10-71356198-T-C. GRCh37 (hg19) VCF-style: chr10-73115955-T-C.
Other names: c.728T>C, p.Leu243Pro (NM_001174098.2); c.494T>C, p.Leu165Pro (NM_001363518.2); short protein forms L165P, L243P.
Identifiers: ClinVar variation 2103511 (VCV002103511.4), dbSNP rs1273426707, ClinGen allele CA377111549.